The following is an entry in ClinVar:

ClinVar aggregate classification (germline): Uncertain significance. Review status: criteria provided, multiple submitters, no conflicts (2 of 4 stars). 2 submissions from 2 submitters: Uncertain significance (2). Last evaluated 2025-08-06.

Allele frequency attached by ClinVar (database versions not stated): ExAC 0.00003; gnomAD 0.00006; TOPMed 0.00006; ESP Exome Variant Server 0.00008; gnomAD exomes 0.00008 and 0.00020.

Submissions (2):

Labcorp Genetics (formerly Invitae), Labcorp
Classification: Uncertain significance. Last evaluated: 2025-08-06. Review status: criteria provided, single submitter. Criteria: Invitae Variant Classification Sherloc (09022015). Collection method: clinical testing. Allele origin: germline.
Comment: This sequence change replaces histidine, which is basic and polar, with tyrosine, which is neutral and polar, at codon 230 of the CARD8 protein (p.His230Tyr). The frequency data for this variant in the population databases is considered unreliable, as metrics indicate poor data quality at this position in the gnomAD database. This variant has not been reported in the literature in individuals affected with CARD8-related conditions. ClinVar contains an entry for this variant (Variation ID: 1428100). An algorithm developed to predict the effect of missense changes on protein structure and function (PolyPhen-2) suggests that this variant is likely to be tolerated. In summary, the available evidence is currently insufficient to determine the role of this variant in disease. Therefore, it has been classified as a Variant of Uncertain Significance.

Ambry Genetics
Classification: Uncertain significance. Last evaluated: 2024-06-04. Review status: criteria provided, single submitter. Criteria: Ambry Variant Classification Scheme 2023. Collection method: clinical testing. Allele origin: germline.

NM_001184900.3(CARD8):c.838C>T (p.His280Tyr)

Gene: CARD8 (caspase recruitment domain family member 8; minus strand). Cytogenetic location: 19q13.33.
Variant type: single nucleotide variant.
Coding change: c.838C>T on transcript NM_001184900.3 (MANE Select); coding-DNA position 838, C replaced by T.
Protein change: p.His280Tyr; replaces histidine 280 with tyrosine.
Molecular consequence: missense variant. On other transcripts: non-coding transcript variant (4).
Genome position (GRCh38, 1-based): chr19:48,230,635, G>A on the plus strand (C>T on the coding strand, the complement: CARD8 is on the minus strand). VCF-style: chr19-48230635-G-A. GRCh37 (hg19) VCF-style: chr19-48733892-G-A.
Other names: c.688C>T, p.His230Tyr (NM_001184901.1, NM_001351783.2, NM_001351788.2 and 2 more transcripts); c.838C>T, p.His280Tyr (NM_001184902.2, NM_001184903.1, NM_001351782.2); c.523C>T, p.His175Tyr (NM_001351784.2, NM_001351787.2, NM_001351791.2 and 1 more transcripts); c.502C>T, p.His168Tyr (NM_001351786.2); c.595C>T, p.His199Tyr (NM_001351790.2); c.520C>T, p.His174Tyr (NM_001365950.1); c.838C>T (NM_001184900.1); short protein forms H175Y, H280Y, H199Y, H230Y, H168Y, H174Y.
Identifiers: ClinVar variation 1428100 (VCV001428100.7), dbSNP rs141540433, ClinGen allele CA9547890.
Genomic context (GRCh38, chr19:48,230,635, plus strand): 5'-CCATCAGAGAGAAGCTGGGGCTTTCCAGGACAGCATAGAAAGGCTCCACCCGGGCTGGAT[G>A]CTCCAGGACCATCCCTTCATTCTTAAAATGGGCAACGAGAAACCAGGAGACGTCCACCTC-3'
Protein context (NP_001171829.1, residues 270-290): HFKNEGMVLE[His280Tyr]PARVEPFYAV